The following is an entry in ClinVar:

ClinVar aggregate classification (germline): Conflicting classifications of pathogenicity. Review status: criteria provided, conflicting classifications (1 of 4 stars). 5 submissions from 5 submitters: Likely pathogenic (3); Uncertain significance (2). Last evaluated 2026-03-27.

Conditions:
CBS-related disorder. Also called: CBS-related condition.
Familial thoracic aortic aneurysm and aortic dissection (TAAD). Also called: Thoracic aortic aneurysms and dissections. Identifiers: Orphanet 91387, MedGen C4707243, MONDO:0019625.
Classic homocystinuria. Also called: Homocystinuria due to Cystathionine Beta-Synthase Deficiency; Homocystinuria due to CBS deficiency; Cystathionine beta-synthase deficiency; CBS deficiency; HOMOCYSTINURIA WITH OR WITHOUT RESPONSE TO PYRIDOXINE. Identifiers: Orphanet 394, MedGen C0751202, MONDO:0009352, OMIM 236200.
Inborn errors of metabolism. Also called: Inborn error of metabolism. Identifiers: Orphanet 68367, MedGen C0025521, MONDO:0019052.

Allele frequency attached by ClinVar (database versions not stated): ExAC 0.00001.

Submissions (5):

Myriad Genetics, Inc.
Classification: Uncertain significance for Classic homocystinuria. Last evaluated: 2026-03-27. Review status: criteria provided, single submitter. Criteria: Myriad Autosomal Dominant, Autosomal Recessive and X-Linked Classification Criteria (2023). Collection method: clinical testing. Allele origin: unknown.
Comment: NM_000071.2(CBS):c.935C>A(P312H) is a missense variant classified as a variant of uncertain significance in the context of homocystinuria, CBS-related. P312H has not been observed in cases with relevant disease. Relevant functional assessments of this variant are not available in the literature. P312H has been observed in referenced population frequency databases. In summary, there is insufficient evidence to classify NM_000071.2(CBS):c.935C>A(P312H) as pathogenic or benign. Please note: this variant was assessed in the context of healthy population screening.

North West Genomic Laboratory Hub, Manchester University NHS Foundation Trust
Classification: Likely pathogenic for Inborn error of metabolism. Last evaluated: 2026-03-10. Review status: criteria provided, single submitter. Criteria: ACGS Best Practice Guidelines for Variant Classification in Rare Disease 2024. Collection method: clinical testing. Allele origin: germline. Affected: yes.
Comment: PM2_Mod PP4_Supp PM3_Mod PP3_Supp

CeGaT Center for Human Genetics Tuebingen
Classification: Likely pathogenic. Last evaluated: 2025-07-01. Review status: criteria provided, single submitter. Criteria: CeGaT Center For Human Genetics Tuebingen Variant Classification Criteria Version 2. Collection method: clinical testing. Allele origin: germline. Affected: yes. Observed: 1 variant allele.
Comment: CBS: PM2, PM3, PP3, PP4

Blueprint Genetics
Classification: Likely pathogenic for CBS-related disorders. Last evaluated: 2023-11-30. Review status: criteria provided, single submitter. Criteria: ACMG Guidelines, 2015. Collection method: clinical testing. Allele origin: germline. Affected: yes. Observed: 3 variant alleles.

Ambry Genetics
Classification: Uncertain significance for Familial thoracic aortic aneurysm and aortic dissection. Last evaluated: 2023-01-30. Review status: criteria provided, single submitter. Criteria: Ambry Variant Classification Scheme 2023. Collection method: clinical testing. Allele origin: germline.
Comment: The p.P312H variant (also known as c.935C>A), located in coding exon 8 of the CBS gene, results from a C to A substitution at nucleotide position 935. The proline at codon 312 is replaced by histidine, an amino acid with similar properties. This amino acid position is conserved. In addition, this alteration is predicted to be deleterious by in silico analysis. Since supporting evidence is limited at this time, the clinical significance of this alteration remains unclear.

NM_000071.3(CBS):c.935C>A (p.Pro312His)

Gene: CBS (cystathionine beta-synthase; minus strand). Cytogenetic location: 21q22.3.
Variant type: single nucleotide variant.
Coding change: c.935C>A on transcript NM_000071.3 (MANE Select); coding-DNA position 935, C replaced by A.
Protein change: p.Pro312His; replaces proline 312 with histidine.
Molecular consequence: missense variant.
Genome position (GRCh38, 1-based): chr21:43,062,972, G>T on the plus strand (C>A on the coding strand, the complement: CBS is on the minus strand). VCF-style: chr21-43062972-G-T. GRCh37 (hg19) VCF-style: chr21-44483082-G-T.
Other names: c.935C>A, p.Pro312His (NM_001178008.3, NM_001178009.3, NM_001320298.2); c.620C>A, p.Pro207His (NM_001321072.1); short protein forms P207H, P312H.
Identifiers: ClinVar variation 2447115 (VCV002447115.13), dbSNP rs761787042, ClinGen allele CA321091300.
Genomic context (GRCh38, chr21:43,062,972, plus strand): 5'-GGCTGCACCGGCACTGTGGCCGGGCTCTGGACTCGACCTACCGTCCTGTCCAGCACCGTG[G>T]GGATGAAGTCGTAGCCGATCCCTTCCACCTCGTAGGTTGTCTGCTCCGTCTGGTTCAGCT-3'
Protein context (NP_000062.1, residues 302-322): EVEGIGYDFI[Pro312His]TVLDRTVVDK